The following is an entry in ClinVar:

ClinVar aggregate classification (germline): Uncertain significance (1 of 4 stars; one submission).

gnomAD v4.1: 1 of 1,611,616 alleles (0.000062%); highest among the groups gnomAD compares: Non-Finnish European, 0.000085%; no homozygotes.

Submission:

Labcorp Genetics (formerly Invitae), Labcorp
Classification: Uncertain significance. Last evaluated: 2024-12-23. Review status: criteria provided, single submitter. Criteria: Invitae Variant Classification Sherloc (09022015). Collection method: clinical testing. Allele origin: germline.
Comment: This sequence change replaces asparagine, which is neutral and polar, with serine, which is neutral and polar, at codon 273 of the TRRAP protein (p.Asn273Ser). This variant is not present in population databases (gnomAD no frequency). This variant has not been reported in the literature in individuals affected with TRRAP-related conditions. Invitae Evidence Modeling of protein sequence and biophysical properties (such as structural, functional, and spatial information, amino acid conservation, physicochemical variation, residue mobility, and thermodynamic stability) indicates that this missense variant is not expected to disrupt TRRAP protein function with a negative predictive value of 80%. In summary, the available evidence is currently insufficient to determine the role of this variant in disease. Therefore, it has been classified as a Variant of Uncertain Significance.

NM_001375524.1(TRRAP):c.818A>G (p.Asn273Ser)

Gene: TRRAP (transformation/transcription domain associated protein; plus strand). Cytogenetic location: 7q22.1.
Variant type: single nucleotide variant.
Coding change: c.818A>G on transcript NM_001375524.1 (MANE Select); coding-DNA position 818, A replaced by G.
Protein change: p.Asn273Ser; replaces asparagine 273 with serine.
Molecular consequence: missense variant.
Genome position (GRCh38, 1-based): chr7:98,900,641, A>G. VCF-style: chr7-98900641-A-G. GRCh37 (hg19) VCF-style: chr7-98498264-A-G.
Other names: c.818A>G, p.Asn273Ser (NM_001244580.2, NM_003496.4); short protein forms N273S.
Identifiers: ClinVar variation 3709392 (VCV003709392.2).
Genomic context (GRCh38, chr7:98,900,641, plus strand): 5'-ACTCATAATTGAGAGGTAATATTTTTGTTCTCTTCTTATTCAGGCAACATAAGCTTTACA[A>G]CAAGGAGTTGTATGCTGACTTCATTGCTGCTCAGATTAAAACATTGTCATTTTTAGCTTA-3'
Protein context (NP_001362453.1, residues 263-283): SAQARQHKLY[Asn273Ser]KELYADFIAA